The following is an entry in ClinVar:

NM_001943.5(DSG2):c.2030A>C (p.Gln677Pro)

Genes: DSG2-AS1 (DSG2 antisense RNA 1; minus strand), DSG2 (desmoglein 2; plus strand). Cytogenetic location: 18q12.1.
Variant type: single nucleotide variant.
Coding change: c.2030A>C on transcript NM_001943.5 (MANE Select); coding-DNA position 2030, A replaced by C.
Protein change: p.Gln677Pro; replaces glutamine 677 with proline.
Molecular consequence: missense variant.
Genome position (GRCh38, 1-based): chr18:31,542,548, A>C. VCF-style: chr18-31542548-A-C. GRCh37 (hg19) VCF-style: chr18-29122511-A-C.
Other names: short protein forms Q677P.
Identifiers: ClinVar variation 4756444 (VCV004756444.1).
Genomic context (GRCh38, chr18:31,542,548, plus strand): 5'-GACTCAGTTCTCAGCTGTGTTTGCTCTCACAGGTGGTGCCATCATTTCTGCCAGTGGATC[A>C]AGGGGGCAGTCTAGTAGGAAGAAATGGAGTAGGAGGTATGGCCAAGGAAGCCACGATGAA-3'
Protein context (NP_001934.2, residues 667-687): KVVPSFLPVD[Gln677Pro]GGSLVGRNGV

ClinVar aggregate classification (germline): Uncertain significance (1 of 4 stars; one submission).

Conditions:
Cardiomyopathy (CMYO). Also called: Cardiomyopathies. Identifiers: Orphanet 167848, MedGen C0878544, MONDO:0004994, HP:0001638. Inheritance: Various modes of inheritance.

Submission:

Color Diagnostics, LLC DBA Color Health
Classification: Uncertain significance for Cardiomyopathy. Last evaluated: 2025-09-08. Review status: criteria provided, single submitter. Criteria: ACMG Guidelines, 2015. Collection method: clinical testing. Allele origin: germline.
Comment: This missense variant replaces glutamine with proline at codon 677 of the DSG2 protein. Computational prediction suggests that this variant may not impact protein structure and function. To our knowledge, functional studies have not been reported for this variant. This variant has not been reported in individuals affected with DSG2-related disorders in the literature. This variant has not been identified in the general population by the Genome Aggregation Database (gnomAD). The available evidence is insufficient to determine the role of this variant in disease conclusively. Therefore, this variant is classified as a Variant of Uncertain Significance.